The following is an entry in ClinVar:

ClinVar aggregate classification (germline): Pathogenic. Review status: criteria provided, multiple submitters, no conflicts (2 of 4 stars). 4 submissions from 4 submitters: Pathogenic (3). 1 of the submissions does not count toward it. Last evaluated 2025-09-30.

Conditions:
Autosomal dominant limb-girdle muscular dystrophy type 1D (DNAJB6) (LGMDD1). Also called: MUSCULAR DYSTROPHY, LIMB-GIRDLE, TYPE 1D; Autosomal dominant limb-girdle muscular dystrophy type 1D; Muscular dystrophy, limb-girdle, autosomal dominant 1; MUSCULAR DYSTROPHY, AUTOSOMAL DOMINANT, WITH RIMMED VACUOLES. Identifiers: Orphanet 34516, MedGen C4721885, MONDO:0021018, OMIM 603511.

gnomAD v4.1: 1 of 1,613,676 alleles (0.000062%); highest among the groups gnomAD compares: Non-Finnish European, 0.000085%; no homozygotes.

Submissions (4):

Labcorp Genetics (formerly Invitae), Labcorp
Classification: Pathogenic for Autosomal dominant limb-girdle muscular dystrophy type 1D (DNAJB6). Last evaluated: 2025-09-30. Review status: criteria provided, single submitter. Criteria: Invitae Variant Classification Sherloc (09022015). Collection method: clinical testing. Allele origin: germline.
Comment: This sequence change replaces phenylalanine, which is neutral and non-polar, with leucine, which is neutral and non-polar, at codon 93 of the DNAJB6 protein (p.Phe93Leu). This variant is not present in population databases (gnomAD no frequency). This missense change has been observed in individual(s) with clinical features of limb-girdle muscular dystrophy (PMID: 22334415, 26205529, 26847086, 28794355, 30564623). ClinVar contains an entry for this variant (Variation ID: 31530). Invitae Evidence Modeling of protein sequence and biophysical properties (such as structural, functional, and spatial information, amino acid conservation, physicochemical variation, residue mobility, and thermodynamic stability) indicates that this missense variant is expected to disrupt DNAJB6 protein function with a positive predictive value of 80%. For these reasons, this variant has been classified as Pathogenic.

GeneDx
Classification: Pathogenic. Last evaluated: 2018-01-26. Review status: criteria provided, single submitter. Criteria: GeneDx Variant Classification (06012015). Collection method: clinical testing. Allele origin: germline. Affected: yes.
Comment: The F93L pathogenic variant in the DNAJB6 gene has been previously reported in association with LGMD1D (Sarparanta et al., 2012). Functional studies indicate that F93L increases the half-life of DNAJB6, which results in the toxic aggregation of DNAJB6 protein and its binding partners (Sarparanta et al., 2012). Additional functional studies in animal models showed F93L resulted in muscle weakness compared to controls (Nam et al., 2015; Bengoechea et al., 2015). F93L is not observed in large population cohorts (Lek et al., 2016). The F93L variant is a conservative amino acid substitution; however, this substitution occurs at a position that is conserved, and a different nucleotide substitution (c.279 C>G) resulting in the same missense change, as well as missense variants in nearby residues (F89I; F91I/L; P96R) have been reported in the Human Gene Mutation Database in association with myopathy (Stenson et al., 2014). In silico analysis predicts this variant is probably damaging to the protein structure/function. Therefore, F93L is interpreted to be a pathogenic variant.

Eurofins Ntd Llc (ga)
Classification: Pathogenic. Last evaluated: 2015-08-01. Review status: criteria provided, single submitter. Criteria: EGL Classification Definitions 2015. Collection method: clinical testing. Allele origin: germline. Observed: 3 variant alleles, 3 heterozygotes.

OMIM
Classification: Pathogenic for MUSCULAR DYSTROPHY, LIMB-GIRDLE, AUTOSOMAL DOMINANT 1. Last evaluated: 2012-02-26. Review status: no assertion criteria provided. Collection method: literature only. Allele origin: germline. Not counted in ClinVar's aggregate classification.

Literature cited by the submitters: PubMed 22334415 (cited by Labcorp Genetics (formerly Invitae), Labcorp); PubMed 26205529 (cited by Labcorp Genetics (formerly Invitae), Labcorp); PubMed 26847086 (cited by Labcorp Genetics (formerly Invitae), Labcorp); PubMed 28794355 (cited by Labcorp Genetics (formerly Invitae), Labcorp); PubMed 30564623 (cited by Labcorp Genetics (formerly Invitae), Labcorp); PubMed 22366786 (cited by OMIM).

NM_058246.4(DNAJB6):c.279C>A (p.Phe93Leu)

Gene: DNAJB6 (DnaJ heat shock protein family (Hsp40) member B6; plus strand). Cytogenetic location: 7q36.3.
Variant type: single nucleotide variant.
Coding change: c.279C>A on transcript NM_058246.4 (MANE Select); coding-DNA position 279, C replaced by A.
Protein change: p.Phe93Leu; replaces phenylalanine 93 with leucine.
Molecular consequence: missense variant.
Genome position (GRCh38, 1-based): chr7:157,367,416, C>A. VCF-style: chr7-157367416-C-A. GRCh37 (hg19) VCF-style: chr7-157160110-C-A.
Other names: DNAJB6, PHE93LEU, 279C-A; c.279C>A, p.Phe93Leu (NM_001363676.1, NM_005494.3); short protein forms F93L.
Identifiers: ClinVar variation 31530 (VCV000031530.11), dbSNP rs149278319, ClinGen allele CA260015.